The following is an entry in ClinVar:

ClinVar aggregate classification (germline): Conflicting classifications of pathogenicity. Review status: criteria provided, conflicting classifications (1 of 4 stars). 4 submissions from 4 submitters: Uncertain significance (1); Likely benign (2). 1 of the submissions does not count toward it. Last evaluated 2026-01-24.

Conditions:
ACADVL-related disorder. Also called: ACADVL-related condition.
Very long chain acyl-CoA dehydrogenase deficiency (ACADVLD). Also called: VLCAD Deficiency; Very Long-Chain Acyl-Coenzyme A Dehydrogenase Deficiency. Identifiers: Orphanet 26793, MedGen C3887523, MONDO:0008723, OMIM 201475.

Allele frequency attached by ClinVar (database versions not stated): ExAC 0.00002; TOPMed 0.00009; gnomAD 0.00013 and 0.00014.
gnomAD v4.1: 52 of 1,613,966 alleles (0.0032%); highest among the groups gnomAD compares: African/African-American, 0.036%; no homozygotes.

Submissions (4):

Labcorp Genetics (formerly Invitae), Labcorp
Classification: Likely benign for Very long chain acyl-CoA dehydrogenase deficiency. Last evaluated: 2026-01-24. Review status: criteria provided, single submitter. Criteria: Invitae Variant Classification Sherloc (09022015). Collection method: clinical testing. Allele origin: germline.

ARUP Laboratories, Molecular Genetics and Genomics, ARUP Laboratories
Classification: Likely benign for Very long chain acyl-CoA dehydrogenase deficiency. Last evaluated: 2024-01-24. Review status: criteria provided, single submitter. Criteria: ARUP Molecular Germline Variant Investigation Process 2024. Collection method: clinical testing. Allele origin: germline.

Illumina Laboratory Services, Illumina
Classification: Uncertain significance for Very long chain acyl-CoA dehydrogenase deficiency. Last evaluated: 2017-04-27. Review status: criteria provided, single submitter. Criteria: ICSL Variant Classification Criteria 13 December 2019. Collection method: clinical testing. Allele origin: germline.

PreventionGenetics, part of Exact Sciences
Classification: Likely benign for ACADVL-related condition. Last evaluated: 2019-04-09. Review status: no assertion criteria provided. Collection method: clinical testing. Allele origin: germline. Not counted in ClinVar's aggregate classification.
Comment: This variant is classified as likely benign based on ACMG/AMP sequence variant interpretation guidelines (Richards et al. 2015 PMID: 25741868, with internal and published modifications).

NM_000018.4(ACADVL):c.1227G>A (p.Thr409=)

Gene: ACADVL (acyl-CoA dehydrogenase very long chain; plus strand). Cytogenetic location: 17p13.1.
Variant type: single nucleotide variant.
Coding change: c.1227G>A on transcript NM_000018.4 (MANE Select); coding-DNA position 1227, G replaced by A.
Protein change: p.Thr409=; no amino-acid change (threonine 409 retained).
Molecular consequence: synonymous variant.
Genome position (GRCh38, 1-based): chr17:7,223,688, G>A. VCF-style: chr17-7223688-G-A. GRCh37 (hg19) VCF-style: chr17-7127007-G-A.
Other names: c.1161G>A, p.Thr387= (NM_001033859.3); c.1296G>A, p.Thr432= (NM_001270447.2); c.999G>A, p.Thr333= (NM_001270448.2).
Identifiers: ClinVar variation 892523 (VCV000892523.16), dbSNP rs778531268, ClinGen allele CA8338041.
Genomic context (GRCh38, chr17:7,223,688, plus strand): 5'-AACTATGCAACCTCAGTCCATGGCTTACATGGTGAGTGCTAACATGGACCAGGGAGCCAC[G>A]GACTTCCAGATAGAGGCCGCCATCAGCAAAATCTTTGGCTCGGTGAGGTCCCAGGCATGC-3'
Protein context (NP_000009.1, residues 399-419): MVSANMDQGA[Thr409=]DFQIEAAISK